The following is an entry in ClinVar:

NM_005660.3(SLC35A2):c.167_193del (p.Tyr56_Arg64del)

Gene: SLC35A2 (solute carrier family 35 member A2; minus strand). Cytogenetic location: Xp11.23.
Variant type: Deletion.
Coding change: c.167_193del on transcript NM_005660.3 (MANE Select); coding-DNA positions 167 to 193, 27 bases deleted (ACGCCCGCACGTTGCCAGGGGACCGCT).
Protein change: p.Tyr56_Arg64del.
Molecular consequence: inframe deletion. On other transcripts: intron variant (1).
Genome position (GRCh38, 1-based): chrX:48,909,895-48,909,921, AGCGGTCCCCTGGCAACGTGCGGGCGT deleted on the plus strand (ACGCCCGCACGTTGCCAGGGGACCGCT on the coding strand, the reverse complement: SLC35A2 is on the minus strand); deleting any 27 consecutive bases within chrX:48,909,895-48,909,926 gives the same sequence; the c. name uses the placement nearest the transcript's 3' end. VCF-style (leftmost placement, unchanged base first): chrX-48909894-AAGCGGTCCCCTGGCAACGTGCGGGCGT-A. GRCh37 (hg19) VCF-style: chrX-48767171-AAGCGGTCCCCTGGCAACGTGCGGGCGT-A.
Other names: c.167_193del, p.Tyr56_Arg64del (NM_001032289.3, NM_001042498.3, NM_001282647.2); c.95_121del, p.Tyr32_Arg40del (NM_001282648.2); c.206_232del, p.Tyr69_Arg77del (NM_001282650.2); c.251_277del, p.Tyr84_Arg92del (NM_001282651.2); c.91+1625_91+1651del (NM_001282649.2).
Identifiers: ClinVar variation 2752756 (VCV002752756.3), dbSNP rs2519660708, ClinGen allele CA2697553095.
Genomic context (GRCh38, chrX:48,909,894, plus strand): 5'-AGCAGCAGGCAGGTGAGACCTTTGAGCACTTCCGCCATGACCACAGCAGTGGTGGCAAAG[AAGCGGTCCCCTGGCAACGTGCGGGCGT>A]AGCGGATGCTGAGGATGAGGGAGGCATTCTGGACCACCAGCACAGCTAGGGATATGTACT-3'

ClinVar aggregate classification (germline): Likely pathogenic (1 of 4 stars; one submission).

Conditions:
SLC35A2-congenital disorder of glycosylation. Also called: CONGENITAL DISORDER OF GLYCOSYLATION, TYPE IIm; CDG IIm; CONGENITAL DISORDER OF GLYCOSYLATION, TYPE IIm, SOMATIC MOSAIC; DEVELOPMENTAL AND EPILEPTIC ENCEPHALOPATHY 22; EPILEPTIC ENCEPHALOPATHY, EARLY INFANTILE, 22; SLC35A2-CDG. Identifiers: Orphanet 356961, MedGen C3806688, MONDO:0010478, OMIM 300896.

Submission:

Labcorp Genetics (formerly Invitae), Labcorp
Classification: Likely pathogenic for SLC35A2-congenital disorder of glycosylation. Last evaluated: 2023-06-23. Review status: criteria provided, single submitter. Criteria: Invitae Variant Classification Sherloc (09022015). Collection method: clinical testing. Allele origin: germline.
Comment: This variant, c.167_193del, results in the deletion of 9 amino acid(s) of the SLC35A2 protein (p.Tyr56_Arg64del), but otherwise preserves the integrity of the reading frame. In summary, the currently available evidence indicates that the variant is pathogenic, but additional data are needed to prove that conclusively. Therefore, this variant has been classified as Likely Pathogenic. Experimental studies and prediction algorithms are not available or were not evaluated, and the functional significance of this variant is currently unknown. This variant has been observed in individual(s) with developmental and epileptic encephalopathy (Invitae). In at least one individual the variant was observed to be de novo. This variant is not present in population databases (gnomAD no frequency).